The following is an entry in ClinVar:

ClinVar aggregate classification (germline): Uncertain significance (1 of 4 stars; one submission).

Submission:

Ambry Genetics
Classification: Uncertain significance. Last evaluated: 2023-12-21. Review status: criteria provided, single submitter. Criteria: Ambry Variant Classification Scheme 2023. Collection method: clinical testing. Allele origin: germline.
Comment: The c.2846A>T (p.D949V) alteration is located in exon (coding exon ) of the PARG gene. This alteration results from a A to T substitution at nucleotide position 2846, causing the aspartic acid (D) at amino acid position 949 to be replaced by a valine (V). Based on insufficient or conflicting evidence, the clinical significance of this alteration remains unclear.

NM_003631.5(PARG):c.2846A>T (p.Asp949Val)

Gene: PARG (poly(ADP-ribose) glycohydrolase; minus strand). Cytogenetic location: 10q11.23.
Variant type: single nucleotide variant.
Coding change: c.2846A>T on transcript NM_003631.5 (MANE Select); coding-DNA position 2846, A replaced by T.
Protein change: p.Asp949Val; replaces aspartic acid 949 with valine.
Molecular consequence: missense variant. On other transcripts: non-coding transcript variant (7).
Genome position (GRCh38, 1-based): chr10:49,819,425, T>A on the plus strand (A>T on the coding strand, the complement: PARG is on the minus strand). VCF-style: chr10-49819425-T-A. GRCh37 (hg19) VCF-style: chr10-51027471-T-A.
Other names: c.2600A>T, p.Asp867Val (NM_001303486.3, NM_001324381.3); c.2522A>T, p.Asp841Val (NM_001303487.3); c.1604A>T, p.Asp535Val (NM_001303489.3); short protein forms D841V, D867V, D535V, D949V.
Identifiers: ClinVar variation 3208652 (VCV003208652.1), dbSNP rs1202027683, ClinGen allele CA376811388.